The following is an entry in ClinVar:

ClinVar aggregate classification (germline): Uncertain significance (1 of 4 stars; one submission).

Conditions:
Inborn genetic diseases. Identifiers: MedGen C0950123, MeSH D030342.

Submission:

Ambry Genetics
Classification: Uncertain significance for Inborn genetic diseases. Last evaluated: 2025-10-16. Review status: criteria provided, single submitter. Criteria: Ambry Variant Classification Scheme 2023. Collection method: clinical testing. Allele origin: germline.
Comment: The p.N465K variant (also known as c.1395C>G), located in coding exon 8 of the RUNX1 gene, results from a C to G substitution at nucleotide position 1395. The asparagine at codon 465 is replaced by lysine, an amino acid with similar properties. This amino acid change, also reported in an alternate isoform in the literature as p.N438K, was identified in a proband with myelodysplastic syndrome and abnormal bleeding symptoms, as well as three relatives with thrombocytopenia (Yoshimi A et al. Ann Oncol, 2016 May;27:887-95). This amino acid position is well conserved in available vertebrate species. In addition, this alteration is predicted to be tolerated by in silico analysis. Based on the available evidence, the clinical significance of this variant remains unclear.

Literature cited by the submitters: PubMed 26884589.

NM_001754.5(RUNX1):c.1395C>G (p.Asn465Lys)

Gene: RUNX1 (RUNX family transcription factor 1; minus strand). Cytogenetic location: 21q22.12.
Variant type: single nucleotide variant.
Coding change: c.1395C>G on transcript NM_001754.5 (MANE Select); coding-DNA position 1395, C replaced by G.
Protein change: p.Asn465Lys; replaces asparagine 465 with lysine.
Molecular consequence: missense variant.
Genome position (GRCh38, 1-based): chr21:34,792,183, G>C on the plus strand (C>G on the coding strand, the complement: RUNX1 is on the minus strand). VCF-style: chr21-34792183-G-C. GRCh37 (hg19) VCF-style: chr21-36164480-G-C.
Other names: c.1314C>G, p.Asn438Lys (NM_001001890.3); short protein forms N438K, N465K.
Identifiers: ClinVar variation 4629701 (VCV004629701.1).